The following is an entry in ClinVar:

NM_080680.3(COL11A2):c.2477del (p.Gly826fs)

Gene: COL11A2 (collagen type XI alpha 2 chain; minus strand). Cytogenetic location: 6p21.32.
Variant type: Deletion.
Coding change: c.2477del on transcript NM_080680.3 (MANE Select); coding-DNA position 2477, one base deleted (G; older notation c.2477delG).
Protein change: p.Gly826fs; shifts the reading frame from glycine 826.
Molecular consequence: frameshift variant.
Genome position (GRCh38, 1-based): chr6:33,174,172, C deleted on the plus strand (G on the coding strand, the reverse complement: COL11A2 is on the minus strand); the first of 3 consecutive C bases (chr6:33,174,172-33,174,174); deleting any one gives the same sequence. VCF-style (leftmost placement, unchanged base first): chr6-33174171-TC-T. GRCh37 (hg19) VCF-style: chr6-33141948-TC-T.
Other names: c.2297del, p.Gly766fs (NM_001424108.1); c.1631del, p.Gly544fs (NM_001424109.1); c.1451del, p.Gly484fs (NM_001424110.1, NM_001424111.1); c.431del, p.Gly144fs (NM_001424112.1); c.2156del, p.Gly719fs (NM_080679.3); c.2219del, p.Gly740fs (NM_080681.3); short protein forms G544fs, G144fs, G484fs, G740fs, G826fs, G719fs, G766fs.
Identifiers: ClinVar variation 5007038 (VCV005007038.2).

ClinVar aggregate classification (germline): Likely pathogenic (1 of 4 stars; one submission).

Conditions:
Autosomal recessive nonsyndromic hearing loss 53. Identifiers: Orphanet 90636, MedGen C1864746, MONDO:0012333, OMIM 609706.

Submission:

Juno Genomics, Hangzhou Juno Genomics, Inc
Classification: Likely pathogenic for Autosomal recessive nonsyndromic hearing loss 53. Review status: criteria provided, single submitter. Criteria: ACMG Guidelines, 2015. Collection method: clinical testing. Allele origin: germline.
Comment: Null variant in a gene where loss of function (LOF) is a known mechanism of disease.;Absent from controls (or at extremely low frequency if recessive) in Genome Aggregation Database.